The following is an entry in ClinVar:

NM_001145308.5(LRTOMT):c.-115G>A

Genes: LRRC51 (leucine rich repeat containing 51; plus strand), LRTOMT (leucine rich transmembrane and O-methyltransferase domain containing; plus strand). Cytogenetic location: 11q13.4.
Variant type: single nucleotide variant.
Coding change: c.-115G>A on transcript NM_001145308.5; 115 bases upstream of the start codon, G replaced by A.
Molecular consequence: 5 prime UTR variant. On other transcripts: missense variant (5), non-coding transcript variant (2).
Genome position (GRCh38, 1-based): chr11:72,094,948, G>A. VCF-style: chr11-72094948-G-A. GRCh37 (hg19) VCF-style: chr11-71805994-G-A.
Other names: c.289G>A, p.Val97Ile (NM_001145307.5, NM_001271471.3, NM_001318803.2 and 1 more transcripts); c.235G>A, p.Val79Ile (NM_001205138.4); c.-115G>A (NM_001145309.4, NM_001145310.4); short protein forms V79I, V97I.
Identifiers: ClinVar variation 5018467 (VCV005018467.1).
Genomic context (GRCh38, chr11:72,094,948, plus strand): 5'-TGAGCAGAGATTCAGGGTCCTGTCCTGTCTAGCCTGGCTTTTGGTTTCCCTCCCCAACAG[G>A]TCCTAACAACTTTCTTCAACCTGAGTGTCCTCTATCTTCACGGCAACAGCATCCAGCGCC-3'

ClinVar aggregate classification (germline): Uncertain significance (1 of 4 stars; one submission).

gnomAD v4.1: 14 of 1,614,010 alleles (0.00087%); highest among the groups gnomAD compares: Non-Finnish European, 0.0012%; no homozygotes.

Submission:

GeneDx
Classification: Uncertain significance. Last evaluated: 2026-04-06. Review status: criteria provided, single submitter. Criteria: GeneDx Variant Classification Process June 2021. Collection method: clinical testing. Allele origin: germline.
Comment: Not observed at significant frequency in large population cohorts (gnomAD); In silico analysis supports that this missense variant has a deleterious effect on protein structure/function; Has not been previously published as pathogenic or benign to our knowledge; Reported using an alternate transcript of the gene